The following is an entry in ClinVar:

ClinVar aggregate classification (germline): Uncertain significance (1 of 4 stars; one submission).

Submission:

GeneDx
Classification: Uncertain significance. Last evaluated: 2024-12-09. Review status: criteria provided, single submitter. Criteria: GeneDx Variant Classification Process June 2021. Collection method: clinical testing. Allele origin: germline. Affected: yes.
Comment: Nonsense variant predicted to result in protein truncation or nonsense mediated decay in a gene or region of a gene for which loss of function is not a well-established mechanism of disease; Not observed at significant frequency in large population cohorts (gnomAD); Has not been previously published as pathogenic or benign to our knowledge; Variants in candidate genes are classified as variants of uncertain significance in accordance with ACMG guidelines (PMID: 25741868)

NM_020180.4(CELF4):c.315dup (p.Glu106Ter)

Gene: CELF4 (CUGBP Elav-like family member 4; minus strand). Cytogenetic location: 18q12.2.
Variant type: Duplication.
Coding change: c.315dup on transcript NM_020180.4 (MANE Select); coding-DNA position 315, one base duplicated (T; older notation c.315dupT).
Protein change: p.Glu106Ter; replaces glutamic acid 106 with a stop codon.
Molecular consequence: nonsense. On other transcripts: 5 prime UTR variant (6), non-coding transcript variant (11).
Genome position (GRCh38, 1-based): chr18:37,485,579, A duplicated on the plus strand (T on the coding strand, the reverse complement: CELF4 is on the minus strand). VCF-style (leftmost placement, unchanged base first): chr18-37485578-C-CA. GRCh37 (hg19) VCF-style: chr18-35065541-C-CA.
Other names: c.315dup, p.Glu106Ter (NM_001025087.2, NM_001025088.2, NM_001025089.2 and 60 more transcripts); c.-55dup (NM_001353756.2, NM_001353757.2, NM_001353758.2 and 3 more transcripts); short protein forms E106*.
Identifiers: ClinVar variation 3901443 (VCV003901443.1).
Genomic context (GRCh38, chr18:37,485,578, plus strand): 5'-CACTTACCCCGGGCAGAGTCTTCTGCTCGTGCAGCGCGCTCTGGGCCTTCAGCGCTGACT[C>CA]ACGCTCGCAGTAGGTGAGGAAGGCGCAGCCTGGGGAGGAAAGCAAGCGCCAAGAAGGGTC-3'